The following is an entry in ClinVar:

ClinVar aggregate classification (germline): Uncertain significance (1 of 4 stars; one submission).

Conditions:
Perlman syndrome (PRLMNS). Identifiers: Orphanet 2849, MedGen C0796113, MONDO:0009965, OMIM 267000.

Submission:

Labcorp Genetics (formerly Invitae), Labcorp
Classification: Uncertain significance for Perlman syndrome. Last evaluated: 2019-08-07. Review status: criteria provided, single submitter. Criteria: Invitae Variant Classification Sherloc (09022015). Collection method: clinical testing. Allele origin: germline.
Comment: This sequence change replaces lysine with glutamic acid at codon 156 of the DIS3L2 protein (p.Lys156Glu). The lysine residue is moderately conserved and there is a small physicochemical difference between lysine and glutamic acid. This variant is not present in population databases (ExAC no frequency). This variant has not been reported in the literature in individuals with DIS3L2-related conditions. Algorithms developed to predict the effect of missense changes on protein structure and function (SIFT, PolyPhen-2, Align-GVGD) all suggest that this variant is likely to be tolerated, but these predictions have not been confirmed by published functional studies and their clinical significance is uncertain. In summary, the available evidence is currently insufficient to determine the role of this variant in disease. Therefore, it has been classified as a Variant of Uncertain Significance.

NM_152383.5(DIS3L2):c.466A>G (p.Lys156Glu)

Gene: DIS3L2 (DIS3 like 3'-5' exoribonuclease 2; plus strand). Cytogenetic location: 2q37.1.
Variant type: single nucleotide variant.
Coding change: c.466A>G on transcript NM_152383.5 (MANE Select); coding-DNA position 466, A replaced by G.
Protein change: p.Lys156Glu; replaces lysine 156 with glutamic acid.
Molecular consequence: missense variant. On other transcripts: non-coding transcript variant (2).
Genome position (GRCh38, 1-based): chr2:232,087,586, A>G. VCF-style: chr2-232087586-A-G. GRCh37 (hg19) VCF-style: chr2-232952296-A-G.
Other names: c.466A>G, p.Lys156Glu (NM_001257281.2, NM_001257282.2); short protein forms K156E.
Identifiers: ClinVar variation 943981 (VCV000943981.9), dbSNP rs1696701850, ClinGen allele CA351155032.